The following is an entry in ClinVar:

ClinVar aggregate classification (germline): Pathogenic (1 of 4 stars; one submission).

Conditions:
Lynch syndrome 5 (LYNCH5). Also called: Colorectal cancer, hereditary nonpolyposis, type 5; Hereditary non-polyposis colorectal cancer, type 5. Identifiers: Orphanet 144, MedGen C1833477, MONDO:0013710, OMIM 614350. Disease mechanism: loss of function.

Submission:

Myriad Genetics, Inc.
Classification: Pathogenic for Lynch syndrome 5. Last evaluated: 2024-10-31. Review status: criteria provided, single submitter. Criteria: Myriad Autosomal Dominant, Autosomal Recessive and X-Linked Classification Criteria (2023). Collection method: clinical testing. Allele origin: unknown.
Comment: This variant is considered pathogenic. This variant creates a frameshift predicted to result in premature protein truncation.

NM_000179.3(MSH6):c.127dup (p.Ser43fs)

Gene: MSH6 (mutS homolog 6; plus strand). Cytogenetic location: 2p16.3.
Variant type: Duplication.
Coding change: c.127dup on transcript NM_000179.3 (MANE Select); coding-DNA position 127, one base duplicated (T; older notation c.127dupT).
Protein change: p.Ser43fs; shifts the reading frame from serine 43.
Molecular consequence: frameshift variant. On other transcripts: 5 prime UTR variant (7), non-coding transcript variant (5), intron variant (5).
Genome position (GRCh38, 1-based): chr2:47,783,360, T duplicated; the last of 2 consecutive T bases (chr2:47,783,359-47,783,360); duplicating either gives the same sequence. VCF-style (leftmost placement, unchanged base first): chr2-47783358-C-CT. GRCh37 (hg19) VCF-style: chr2-48010497-C-CT.
Other names: c.127dup, p.Ser43fs (NM_001281492.2, NM_001406795.1, NM_001406796.1 and 9 more transcripts); c.-610dup (NM_001281493.2, NM_001406811.1); c.-202dup (NM_001406799.1); c.72dup, p.Pro25fs (NM_001406804.1); c.-802dup (NM_001406807.1); c.-457dup (NM_001406812.1); c.-868dup (NM_001406814.1); c.-413dup (NM_001406816.1); and 3 more; short protein forms P25fs, S43fs.
Identifiers: ClinVar variation 3773516 (VCV003773516.1).